The following is an entry in ClinVar:

ClinVar aggregate classification (germline): Likely benign (1 of 4 stars; one submission).

Conditions:
APC-related disorder. Also called: APC-related condition.

gnomAD v4.1: 8 of 152,094 alleles (0.0053%); highest among the groups gnomAD compares: African/African-American, 0.0097%; no homozygotes.

Submission:

PreventionGenetics, part of Exact Sciences
Classification: Likely benign for APC-related condition. Last evaluated: 2026-06-29. Review status: criteria provided, single submitter. Criteria: ACMG Guidelines, 2015. Collection method: clinical testing. Allele origin: germline.
Comment: This variant is classified as likely benign based on ACMG/AMP sequence variant interpretation guidelines (Richards et al. 2015 PMID: 25741868, with internal and published modifications).

NM_001127511.3(APC):c.166-29004C>G

Gene: APC (APC regulator of Wnt signaling pathway; plus strand). Cytogenetic location: 5q22.2.
Variant type: single nucleotide variant.
Coding change: c.166-29004C>G on transcript NM_001127511.3; 29004 bases into the intron before coding-DNA position 166, C replaced by G.
Molecular consequence: intron variant.
Genome position (GRCh38, 1-based): chr5:112,737,322, C>G. VCF-style: chr5-112737322-C-G. GRCh37 (hg19) VCF-style: chr5-112073019-C-G.
Other names: c.-1053-17551C>G (NM_001407470.1, NM_001407472.1); c.-18-17551C>G (NM_001407447.1, NM_001354895.2, NM_001407456.1 and 7 more transcripts); c.166-29004C>G (NM_001407446.1, NM_001354897.2, NM_001354902.2); c.-42-29004C>G (NM_001407453.1).
Identifiers: ClinVar variation 4979843 (VCV004979843.1).
Genomic context (GRCh38, chr5:112,737,322, plus strand): 5'-GGTTAAGTAACTAAAGTTACAGAGCTAGAGTGACAGGAGTAAAGCTTCAACTCAGGCAAC[C>G]CAGACTTCCAGAGTTCTGATCTCCACTACTAAGCTGCTAGCATAGCTTTTCTGGTAACTA-3'